The following is an entry in ClinVar:

NM_015665.6(AAAS):c.766G>T (p.Gly256Trp)

Gene: AAAS (aladin WD repeat nucleoporin; minus strand). Cytogenetic location: 12q13.13.
Variant type: single nucleotide variant.
Coding change: c.766G>T on transcript NM_015665.6 (MANE Select); coding-DNA position 766, G replaced by T.
Protein change: p.Gly256Trp; replaces glycine 256 with tryptophan.
Molecular consequence: missense variant.
Genome position (GRCh38, 1-based): chr12:53,309,645, C>A on the plus strand (G>T on the coding strand, the complement: AAAS is on the minus strand). VCF-style: chr12-53309645-C-A. GRCh37 (hg19) VCF-style: chr12-53703429-C-A.
Other names: c.667G>T, p.Gly223Trp (NM_001173466.2); short protein forms G223W, G256W.
Identifiers: ClinVar variation 1163533 (VCV001163533.8), dbSNP rs199575080, ClinGen allele CA6599109.

ClinVar aggregate classification (germline): Uncertain significance. Review status: criteria provided, multiple submitters, no conflicts (2 of 4 stars). 3 submissions from 3 submitters: Uncertain significance (3). Last evaluated 2024-05-24.

Conditions:
Inborn genetic diseases. Identifiers: MedGen C0950123, MeSH D030342.

gnomAD v4.1: 96 of 1,613,434 alleles (0.006%); highest among the groups gnomAD compares: African/African-American, 0.008%; no homozygotes.

Submissions (3):

Ambry Genetics
Classification: Uncertain significance for Inborn genetic diseases. Last evaluated: 2024-05-24. Review status: criteria provided, single submitter. Criteria: Ambry Variant Classification Scheme 2023. Collection method: clinical testing. Allele origin: germline.

Labcorp Genetics (formerly Invitae), Labcorp
Classification: Uncertain significance. Last evaluated: 2022-07-01. Review status: criteria provided, single submitter. Criteria: Invitae Variant Classification Sherloc (09022015). Collection method: clinical testing. Allele origin: germline.
Comment: This sequence change replaces glycine, which is neutral and non-polar, with tryptophan, which is neutral and slightly polar, at codon 256 of the AAAS protein (p.Gly256Trp). This variant is present in population databases (rs199575080, gnomAD 0.01%). This variant has not been reported in the literature in individuals affected with AAAS-related conditions. ClinVar contains an entry for this variant (Variation ID: 1163533). Algorithms developed to predict the effect of missense changes on protein structure and function are either unavailable or do not agree on the potential impact of this missense change (SIFT: "Deleterious"; PolyPhen-2: "Probably Damaging"; Align-GVGD: "Class C15"). In summary, the available evidence is currently insufficient to determine the role of this variant in disease. Therefore, it has been classified as a Variant of Uncertain Significance.

Mayo Clinic Laboratories, Mayo Clinic
Classification: Uncertain significance. Last evaluated: 2020-03-24. Review status: criteria provided, single submitter. Criteria: ACMG Guidelines, 2015. Collection method: clinical testing. Allele origin: germline. Observed: 1 variant allele.